The following is an entry in ClinVar:

ClinVar aggregate classification (somatic clinical impact): Tier I - Strong (1 of 4 stars; one submission).

Conditions:
Hemangioblastoma. Identifiers: Orphanet 252054, MedGen C0206734, MONDO:0016748, HP:0010797.

Submission:

Institute for Genomic Medicine (IGM) Clinical Laboratory, Nationwide Children's Hospital
Classification: Tier I - Strong for Hemangioblastoma. Assertion type: diagnostic. Clinical significance: supports diagnosis. Last evaluated: 2024-05-06. Review status: criteria provided, single submitter. Criteria: AMP/ASCO/CAP Guidelines, 2017. Collection method: clinical testing. Allele origin: somatic. Affected: yes.
Comment: Variant has Tier I (strong) clinical significance as a diagnostic inclusion criterion in hemangioblastoma, based on the following evidence: 1) Documented in one or more cancer databases (e.g., St. Jude Pecan, COSMIC, CIViC, OncoKB). 2) Appears in one or more well-established professional guidelines (e.g., World Health Organization [WHO]; National Comprehensive Cancer Network [NCCN]) as providing diagnostic, prognostic, or therapeutic information. 3) Diagnostic for a specific tumor type/classification according to professional guidelines (Evidence Level A; PMIDs: 8069849, 9124215, 9458097, 12405390, 25589003).

Literature cited by the submitters: PubMed 8069849; PubMed 9124215; PubMed 9458097; PubMed 12405390; PubMed 25589003.

NM_000551.4(VHL):c.340G>T (p.Gly114Cys)

Gene: VHL (von Hippel-Lindau tumor suppressor; plus strand). Cytogenetic location: 3p25.3.
Variant type: single nucleotide variant.
Coding change: c.340G>T on transcript NM_000551.4 (MANE Select); coding-DNA position 340, G replaced by T.
Protein change: p.Gly114Cys; replaces glycine 114 with cysteine.
Molecular consequence: missense variant. On other transcripts: non-coding transcript variant (1).
Genome position (GRCh38, 1-based): chr3:10,142,187, G>T. VCF-style: chr3-10142187-G-T. GRCh37 (hg19) VCF-style: chr3-10183871-G-T.
Other names: c.340G>T, p.Val114Phe (NM_001354723.2); c.340G>T, p.Val114Leu (NM_198156.3); short protein forms G114C, V114F, V114L.
Identifiers: ClinVar variation 4530318 (VCV004530318.1).